The following is an entry in ClinVar:

NM_000821.7(GGCX):c.*3398T>C

Gene: GGCX (gamma-glutamyl carboxylase; minus strand). Cytogenetic location: 2p11.2.
Variant type: single nucleotide variant.
Coding change: c.*3398T>C on transcript NM_000821.7 (MANE Select); 3398 bases downstream of the stop codon, T replaced by C.
Molecular consequence: 3 prime UTR variant.
Genome position (GRCh38, 1-based): chr2:85,546,536, A>G on the plus strand (T>C on the coding strand, the complement: GGCX is on the minus strand). VCF-style: chr2-85546536-A-G. GRCh37 (hg19) VCF-style: chr2-85773659-A-G.
Other names: c.*3398T>C (NM_001142269.4).
Identifiers: ClinVar variation 337204 (VCV000337204.6), dbSNP rs35416445, ClinGen allele CA10614472.

ClinVar aggregate classification (germline): Benign. Review status: criteria provided, multiple submitters, no conflicts (2 of 4 stars). 2 submissions from 2 submitters: Benign (2). Last evaluated 2018-01-13.

Conditions:
Vitamin K-dependent clotting factors, combined deficiency of, type 1. Also called: FACTORS II, VII, IX, AND X, COMBINED DEFICIENCY OF; FAMILIAL MULTIPLE COAGULATION FACTOR DEFICIENCY III; FMFD III; GLUTAMIC ACID, DEFICIENT GAMMA-CARBOXYLATION OF; MULTIPLE COAGULATION FACTOR DEFICIENCY III; VITAMIN K-DEPENDENT COAGULATION DEFECT. Identifiers: Orphanet 98434, MedGen C1848534, MONDO:0010187, OMIM 277450.

Allele frequency attached by ClinVar (database versions not stated): gnomAD exomes 0.20833; 1000 Genomes Project 0.28594; 1000 Genomes Project 30x 0.28607; gnomAD 0.29551 and 0.30037; TOPMed 0.29552.
gnomAD v4.1: 44,833 of 151,686 alleles (30%); highest among the groups gnomAD compares: African/African-American, 36%; 6,806 homozygotes.

Submissions (2):

Illumina Laboratory Services, Illumina
Classification: Benign for Vitamin K-dependent clotting factors, combined deficiency of, type 1. Last evaluated: 2018-01-13. Review status: criteria provided, single submitter. Criteria: ICSL Variant Classification Criteria 13 December 2019. Collection method: clinical testing. Allele origin: germline.
Comment: This variant was observed in the ICSL laboratory as part of a predisposition screen in an ostensibly healthy population. It had not been previously curated by ICSL or reported in the Human Gene Mutation Database (HGMD: prior to June 1st, 2018), and was therefore a candidate for classification through an automated scoring system. Utilizing variant allele frequency, disease prevalence and penetrance estimates, and inheritance mode, an automated score was calculated to assess if this variant is too frequent to cause the disease. Based on the score and internal cut-off values, a variant classified as benign is not then subjected to further curation. The score for this variant resulted in a classification of benign for this disease.

Breakthrough Genomics
Classification: Benign. Review status: criteria provided, single submitter. Criteria: ACMG Guidelines, 2015. Collection method: not provided. Allele origin: germline. Inheritance: Autosomal recessive inheritance. Affected: yes.